The following is an entry in ClinVar:

ClinVar aggregate classification (germline): Uncertain significance (1 of 4 stars; one submission).

Conditions:
Glycine encephalopathy. Also called: Nonketotic hyperglycinemia; Non-ketotic hyperglycinemia. Identifiers: Orphanet 407, MedGen C0751748, MONDO:0011612, HP:0008288.

Submission:

Labcorp Genetics (formerly Invitae), Labcorp
Classification: Uncertain significance for Glycine encephalopathy. Last evaluated: 2023-11-27. Review status: criteria provided, single submitter. Criteria: Invitae Variant Classification Sherloc (09022015). Collection method: clinical testing. Allele origin: germline.
Comment: This sequence change replaces glutamic acid, which is acidic and polar, with lysine, which is basic and polar, at codon 491 of the GLDC protein (p.Glu491Lys). This variant is not present in population databases (gnomAD no frequency). This variant has not been reported in the literature in individuals affected with GLDC-related conditions. ClinVar contains an entry for this variant (Variation ID: 1400222). Advanced modeling of protein sequence and biophysical properties (such as structural, functional, and spatial information, amino acid conservation, physicochemical variation, residue mobility, and thermodynamic stability) performed at Invitae indicates that this missense variant is not expected to disrupt GLDC protein function with a negative predictive value of 80%. In summary, the available evidence is currently insufficient to determine the role of this variant in disease. Therefore, it has been classified as a Variant of Uncertain Significance.

NM_000170.3(GLDC):c.1471G>A (p.Glu491Lys)

Gene: GLDC (glycine decarboxylase; minus strand). Cytogenetic location: 9p24.1.
Variant type: single nucleotide variant.
Coding change: c.1471G>A on transcript NM_000170.3 (MANE Select); coding-DNA position 1471, G replaced by A.
Protein change: p.Glu491Lys; replaces glutamic acid 491 with lysine.
Molecular consequence: missense variant.
Genome position (GRCh38, 1-based): chr9:6,592,154, C>T on the plus strand (G>A on the coding strand, the complement: GLDC is on the minus strand). VCF-style: chr9-6592154-C-T. GRCh37 (hg19) VCF-style: chr9-6592154-C-T.
Other names: short protein forms E491K.
Identifiers: ClinVar variation 1400222 (VCV001400222.6), dbSNP rs1818387020, ClinGen allele CA372893730.
Genomic context (GRCh38, chr9:6,592,154, plus strand): 5'-ACCACCTCCAATAGTTATGATGAGGAACGCATGTTTTTATTTTACTTACTGCAGATGACT[C>T]ACAACCAAAGATCCACAACAAATCGTCCAGATCTTTTTCATTGACTGTTTCATCAAGAGA-3'
Protein context (NP_000161.2, residues 481-501): LDDLLWIFGC[Glu491Lys]SSAELVAESM